The following is an entry in ClinVar:

ClinVar aggregate classification (germline): Uncertain significance. Review status: criteria provided, multiple submitters, no conflicts (2 of 4 stars). 2 submissions from 2 submitters: Uncertain significance (2). Last evaluated 2025-04-29.

Conditions:
Episodic ataxia type 2 (EA2). Also called: ACETAZOLAMIDE-RESPONSIVE HEREDITARY PAROXYSMAL CEREBELLAR ATAXIA; CEREBELLAR ATAXIA, PAROXYSMAL, ACETAZOLAMIDE-RESPONSIVE; CEREBELLOPATHY, HEREDITARY PAROXYSMAL; EPISODIC ATAXIA, NYSTAGMUS-ASSOCIATED; ATAXIA, EPISODIC, WITH NYSTAGMUS; ATAXIA, FAMILIAL PAROXYSMAL. Identifiers: Orphanet 97, MedGen C1720416, MONDO:0007163, OMIM 108500.
Developmental and epileptic encephalopathy, 42 (DEE42A). Also called: DEVELOPMENTAL AND EPILEPTIC ENCEPHALOPATHY 42A; EPILEPTIC ENCEPHALOPATHY, EARLY INFANTILE, 42A; Epileptic encephalopathy, early infantile, 42. Identifiers: MedGen C4310716, MONDO:0014917, OMIM 617106.

Allele frequency attached by ClinVar (database versions not stated): ExAC below 0.00001; gnomAD exomes below 0.00001; gnomAD 0.00001.
gnomAD v4.1: 2 of 1,569,972 alleles (0.00013%); highest among the groups gnomAD compares: Non-Finnish European, 0.00017%; no homozygotes.

Submissions (2):

Labcorp Genetics (formerly Invitae), Labcorp
Classification: Uncertain significance for Developmental and epileptic encephalopathy, 42; Episodic ataxia type 2. Last evaluated: 2025-04-29. Review status: criteria provided, single submitter. Criteria: Invitae Variant Classification Sherloc (09022015). Collection method: clinical testing. Allele origin: germline.
Comment: This sequence change replaces arginine, which is basic and polar, with glycine, which is neutral and non-polar, at codon 941 of the CACNA1A protein (p.Arg941Gly). This variant is not present in population databases (gnomAD no frequency). This variant has not been reported in the literature in individuals affected with CACNA1A-related conditions. ClinVar contains an entry for this variant (Variation ID: 582495). Invitae Evidence Modeling of protein sequence and biophysical properties (such as structural, functional, and spatial information, amino acid conservation, physicochemical variation, residue mobility, and thermodynamic stability) indicates that this missense variant is not expected to disrupt CACNA1A protein function with a negative predictive value of 95%. In summary, the available evidence is currently insufficient to determine the role of this variant in disease. Therefore, it has been classified as a Variant of Uncertain Significance.

Women's Health and Genetics/Laboratory Corporation of America, LabCorp
Classification: Uncertain significance. Last evaluated: 2023-12-01. Review status: criteria provided, single submitter. Criteria: LabCorp Variant Classification Summary - May 2015. Collection method: clinical testing. Allele origin: germline.
Comment: Variant summary: CACNA1A c.2821A>G (p.Arg941Gly) results in a non-conservative amino acid change in the encoded protein sequence. Four of five in-silico tools predict a benign effect of the variant on protein function. The frequency data for this variant in gnomAD is considered unreliable, as metrics indicate poor data quality at this position. To our knowledge, no occurrence of c.2821A>G in individuals affected with Epileptic Encephalopathy, Early Infantile, 42 and no experimental evidence demonstrating its impact on protein function have been reported. One submitter has cited clinical-significance assessments for this variant to ClinVar after 2014 and has classified the variant as uncertain significance. Based on the evidence outlined above, the variant was classified as uncertain significance.

NM_001127222.2(CACNA1A):c.2818A>G (p.Arg940Gly)

Gene: CACNA1A (calcium voltage-gated channel subunit alpha1 A; minus strand). Cytogenetic location: 19p13.13.
Variant type: single nucleotide variant.
Coding change: c.2818A>G on transcript NM_001127222.2 (MANE Select); coding-DNA position 2818, A replaced by G.
Protein change: p.Arg940Gly; replaces arginine 940 with glycine.
Molecular consequence: missense variant.
Genome position (GRCh38, 1-based): chr19:13,298,815, T>C on the plus strand (A>G on the coding strand, the complement: CACNA1A is on the minus strand). VCF-style: chr19-13298815-T-C. GRCh37 (hg19) VCF-style: chr19-13409629-T-C.
Other names: c.2830A>G, p.Arg944Gly (NM_000068.4, NM_023035.3); c.2821A>G, p.Arg941Gly (NM_001127221.2, NM_001174080.2); short protein forms R941G, R944G, R940G.
Identifiers: ClinVar variation 582495 (VCV000582495.10), dbSNP rs778220824, ClinGen allele CA9240468.